The following is an entry in ClinVar:

ClinVar aggregate classification (germline): Benign. Review status: criteria provided, multiple submitters, no conflicts (2 of 4 stars). 2 submissions from 2 submitters: Benign (2). Last evaluated 2017-04-27.

Conditions:
Erythrocytosis, familial, 3 (ECYT3). Identifiers: Orphanet 247511, MedGen C1853286, MONDO:0012353, OMIM 609820.

Allele frequency attached by ClinVar (database versions not stated): gnomAD 0.02173 and 0.02028; TOPMed 0.02243; 1000 Genomes Project 0.02476; 1000 Genomes Project 30x 0.02498.

Submissions (2):

Illumina Laboratory Services, Illumina
Classification: Benign for Erythrocytosis, familial, 3. Last evaluated: 2017-04-27. Review status: criteria provided, single submitter. Criteria: ICSL Variant Classification Criteria 13 December 2019. Collection method: clinical testing. Allele origin: germline.
Comment: This variant was observed as part of a predisposition screen in an ostensibly healthy population. A literature search was performed for the gene, cDNA change, and amino acid change (where applicable). No publications were found based on this search. Allele frequency data from public databases was too high to be consistent with this variant causing disease. Therefore, this variant is classified as benign.

Breakthrough Genomics
Classification: Benign. Review status: criteria provided, single submitter. Criteria: ACMG Guidelines, 2015. Collection method: not provided. Allele origin: germline. Inheritance: Autosomal dominant inheritance. Affected: yes.

NM_022051.2(EGLN1):c.-536C>T

Gene: EGLN1 (egl-9 family hypoxia inducible factor 1; minus strand). Cytogenetic location: 1q42.2.
Variant type: single nucleotide variant.
Coding change: c.-536C>T on transcript NM_022051.2; 536 bases upstream of the start codon, C replaced by T.
Genome position (GRCh38, 1-based): chr1:231,422,424, G>A on the plus strand (C>T on the coding strand, the complement: EGLN1 is on the minus strand). VCF-style: chr1-231422424-G-A. GRCh37 (hg19) VCF-style: chr1-231558170-G-A.
Identifiers: ClinVar variation 296209 (VCV000296209.8), dbSNP rs184124593, ClinGen allele CA10609494.
Genomic context (GRCh38, chr1:231,422,424, plus strand): 5'-CCGGGAGGGCCGGGGGGAGGGCCGAGGGGCGGGGGCTGCCTGCGCTCCTCCGCACTCGGC[G>A]GGGCCGGGCCTCGGCTTCTGCCTCGGAGGTGGGTCGCCCGCTTTCCCTCCGCCCGGGACC-3'